The following is an entry in ClinVar:

NM_020806.5(GPHN):c.1744G>A (p.Asp582Asn)

Gene: GPHN (gephyrin; plus strand). Cytogenetic location: 14q23.3.
Variant type: single nucleotide variant.
Coding change: c.1744G>A on transcript NM_020806.5 (MANE Select); coding-DNA position 1744, G replaced by A.
Protein change: p.Asp582Asn; replaces aspartic acid 582 with asparagine.
Molecular consequence: missense variant.
Genome position (GRCh38, 1-based): chr14:67,122,373, G>A. VCF-style: chr14-67122373-G-A. GRCh37 (hg19) VCF-style: chr14-67589090-G-A.
Other names: c.1645G>A, p.Asp549Asn (NM_001024218.2); c.1804G>A, p.Asp602Asn (NM_001377514.1); c.1774G>A, p.Asp592Asn (NM_001377515.1); c.1765G>A, p.Asp589Asn (NM_001377516.1); c.1717G>A, p.Asp573Asn (NM_001377517.1); c.1702G>A, p.Asp568Asn (NM_001377518.1); c.1684G>A, p.Asp562Asn (NM_001377519.1); short protein forms D568N, D582N, D592N, D602N, D562N, D549N, D573N, D589N.
Identifiers: ClinVar variation 834174 (VCV000834174.9), dbSNP rs760218731, ClinGen allele CA7234155.
Genomic context (GRCh38, chr14:67,122,373, plus strand): 5'-ACTCTTCTAGCAACAATTCAGGAACATGGTTACCCCACGATCAACTTGGGTATTGTAGGA[G>A]ACAAGTAAGTATTTGATGTCATTCTGAAAAGTTTGTATTGTACAAATACGAGTTTTTGGA-3'
Protein context (NP_065857.1, residues 572-592): YPTINLGIVG[Asp582Asn]NPDDLLNALN

ClinVar aggregate classification (germline): Uncertain significance (1 of 4 stars; one submission).

Conditions:
Sulfite oxidase deficiency due to molybdenum cofactor deficiency type C. Also called: Molybdenum cofactor deficiency, complementation group C; Molybdenum cofactor deficiency C. Identifiers: Orphanet 308400, Orphanet 833, MedGen C1854990, MONDO:0014212, OMIM 615501.

Allele frequency attached by ClinVar (database versions not stated): ExAC 0.00001; gnomAD exomes 0.00004.
gnomAD v4.1: 51 of 1,612,738 alleles (0.0032%); highest among the groups gnomAD compares: East Asian, 0.11%; no homozygotes.

Submission:

Labcorp Genetics (formerly Invitae), Labcorp
Classification: Uncertain significance for Sulfite oxidase deficiency due to molybdenum cofactor deficiency type C. Last evaluated: 2025-04-11. Review status: criteria provided, single submitter. Criteria: Invitae Variant Classification Sherloc (09022015). Collection method: clinical testing. Allele origin: germline.
Comment: This sequence change replaces aspartic acid, which is acidic and polar, with asparagine, which is neutral and polar, at codon 582 of the GPHN protein (p.Asp582Asn). This variant is present in population databases (rs760218731, gnomAD 0.006%). This variant has not been reported in the literature in individuals affected with GPHN-related conditions. ClinVar contains an entry for this variant (Variation ID: 834174). Invitae Evidence Modeling of protein sequence and biophysical properties (such as structural, functional, and spatial information, amino acid conservation, physicochemical variation, residue mobility, and thermodynamic stability) indicates that this missense variant is not expected to disrupt GPHN protein function with a negative predictive value of 80%. In summary, the available evidence is currently insufficient to determine the role of this variant in disease. Therefore, it has been classified as a Variant of Uncertain Significance.